The following is an entry in ClinVar:

ClinVar aggregate classification (germline): Uncertain significance (1 of 4 stars; one submission).

Conditions:
Exudative vitreoretinopathy 1 (EVR1). Also called: CRISWICK-SCHEPENS SYNDROME; FEVR, AUTOSOMAL DOMINANT; Familial exudative vitreoretinopathy, autosomal dominant. Identifiers: Orphanet 891, Orphanet 90050, MedGen C1851402, MONDO:0007589, OMIM 133780.

Submission:

Dasa
Classification: Uncertain significance for Exudative vitreoretinopathy 1. Last evaluated: 2025-06-16. Review status: criteria provided, single submitter. Criteria: DASA Assertion Criteria. Collection method: clinical testing. Allele origin: germline.
Comment: NM_012193.4(FZD4):c.1159C>T (p.Leu387Phe) is a missense variant that results in the substitution of leucine with phenylalanine. This variant is absent from population databases. Computational prediction algorithms are consistent with a deleterious effect. The currently available literature and clinical evidence are not sufficient to establish a definitive association between this variant and the reported condition. Therefore, this variant is classified as a variant of uncertain significance.

NM_012193.4(FZD4):c.1159C>T (p.Leu387Phe)

Genes: FZD4 (frizzled class receptor 4; minus strand), PRSS23 (serine protease 23; plus strand). Cytogenetic location: 11q14.2.
Variant type: single nucleotide variant.
Coding change: c.1159C>T on transcript NM_012193.4 (MANE Select); coding-DNA position 1159, C replaced by T.
Protein change: p.Leu387Phe; replaces leucine 387 with phenylalanine.
Molecular consequence: missense variant. On other transcripts: non-coding transcript variant (2).
Genome position (GRCh38, 1-based): chr11:86,951,597, G>A on the plus strand (C>T on the coding strand, the complement: FZD4 is on the minus strand). VCF-style: chr11-86951597-G-A. GRCh37 (hg19) VCF-style: chr11-86662639-G-A.
Other names: short protein forms L387F.
Identifiers: ClinVar variation 4882651 (VCV004882651.2).